The following is an entry in ClinVar:

ClinVar aggregate classification (germline): Uncertain significance (1 of 4 stars; one submission).

Allele frequency attached by ClinVar (database versions not stated): ExAC 0.00001; TOPMed 0.00001.
gnomAD v4.1: 9 of 1,614,188 alleles (0.00056%); highest among the groups gnomAD compares: Non-Finnish European, 0.00068%; no homozygotes.

Submission:

Labcorp Genetics (formerly Invitae), Labcorp
Classification: Uncertain significance. Last evaluated: 2019-10-31. Review status: criteria provided, single submitter. Criteria: Invitae Variant Classification Sherloc (09022015). Collection method: clinical testing. Allele origin: germline.
Comment: This sequence change replaces aspartic acid with asparagine at codon 6 of the C8orf37 protein (p.Asp6Asn). The aspartic acid residue is highly conserved and there is a small physicochemical difference between aspartic acid and asparagine. This variant is present in population databases (rs769221863, ExAC 0.002%). This variant has not been reported in the literature in individuals with C8orf37-related conditions. Algorithms developed to predict the effect of missense changes on protein structure and function are either unavailable or do not agree on the potential impact of this missense change (SIFT: "Deleterious"; PolyPhen-2: "Possibly Damaging"; Align-GVGD: "Class C0"). In summary, the available evidence is currently insufficient to determine the role of this variant in disease. Therefore, it has been classified as a Variant of Uncertain Significance.

NM_177965.4(CFAP418):c.16G>A (p.Asp6Asn)

Genes: CFAP418 (cilia and flagella associated protein 418; minus strand), CFAP418-AS1 (CFAP418 antisense RNA 1; plus strand), LOC130000784 (ATAC-STARR-seq lymphoblastoid active region 27655; plus strand). Cytogenetic location: 8q22.1.
Variant type: single nucleotide variant.
Coding change: c.16G>A on transcript NM_177965.4 (MANE Select); coding-DNA position 16, G replaced by A.
Protein change: p.Asp6Asn; replaces aspartic acid 6 with asparagine.
Molecular consequence: missense variant.
Genome position (GRCh38, 1-based): chr8:95,269,174, C>T on the plus strand (G>A on the coding strand, the complement: CFAP418 is on the minus strand). VCF-style: chr8-95269174-C-T. GRCh37 (hg19) VCF-style: chr8-96281402-C-T.
Other names: c.16G>A, p.Asp6Asn (NM_001363260.1); short protein forms D6N.
Identifiers: ClinVar variation 861519 (VCV000861519.10), dbSNP rs769221863, ClinGen allele CA4815299.